The following is an entry in ClinVar:

ClinVar aggregate classification (germline): Pathogenic. Review status: criteria provided, multiple submitters, no conflicts (2 of 4 stars). 2 submissions from 2 submitters: Pathogenic (2). Last evaluated 2025-03-18.

Conditions:
Inborn genetic diseases. Identifiers: MedGen C0950123, MeSH D030342.
KBG syndrome (KBGS). Also called: ANKRD11-Related KBG Syndrome. Identifiers: Orphanet 2332, MedGen C0220687, MONDO:0007846, OMIM 148050.

Submissions (2):

Ambry Genetics
Classification: Pathogenic for Inborn genetic diseases. Last evaluated: 2025-03-18. Review status: criteria provided, single submitter. Criteria: Ambry Variant Classification Scheme 2023. Collection method: clinical testing. Allele origin: germline.
Comment: The c.744+1G>T intronic alteration consists of a G to T substitution one nucleotide after exon 7 (coding exon 5) of the ANKRD11 gene. Alterations that disrupt the canonical splice site are expected to cause aberrant splicing, resulting in an abnormal protein or a transcript that is subject to nonsense-mediated mRNA decay. This variant was not reported in population-based cohorts in the Genome Aggregation Database (gnomAD). This nucleotide position is highly conserved in available vertebrate species. In silico splice site analysis predicts that this alteration will weaken the native splice donor site and may result in the creation or strengthening of a novel splice donor site. Based on the available evidence, this alteration is classified as pathogenic.

Equipe Genetique des Anomalies du Developpement, Université de Bourgogne
Classification: Pathogenic for KBG syndrome. Last evaluated: 2022-12-23. Review status: criteria provided, single submitter. Criteria: ACMG Guidelines, 2015. Collection method: clinical testing. Allele origin: de novo. Inheritance: Autosomal dominant inheritance. Affected: yes.

NM_013275.6(ANKRD11):c.744+1G>T

Gene: ANKRD11 (ankyrin repeat domain 11; minus strand). Cytogenetic location: 16q24.3.
Variant type: single nucleotide variant.
Coding change: c.744+1G>T on transcript NM_013275.6 (MANE Select); the canonical splice donor site of the intron after coding-DNA position 744, G replaced by T.
Molecular consequence: splice donor variant.
Genome position (GRCh38, 1-based): chr16:89,288,527, C>A on the plus strand (G>T on the coding strand, the complement: ANKRD11 is on the minus strand). VCF-style: chr16-89288527-C-A. GRCh37 (hg19) VCF-style: chr16-89354935-C-A.
Other names: c.744+1G>T (NM_013275.4, NM_001256183.2, NM_001256182.2).
Identifiers: ClinVar variation 2500281 (VCV002500281.2), dbSNP rs2544278666, ClinGen allele CA397166609.